The following is an entry in ClinVar:

NM_000521.4(HEXB):c.1417+5G>A

Gene: HEXB (hexosaminidase subunit beta; plus strand). Cytogenetic location: 5q13.3.
Variant type: single nucleotide variant.
Coding change: c.1417+5G>A on transcript NM_000521.4 (MANE Select); 5 bases into the intron after coding-DNA position 1417, G replaced by A.
Molecular consequence: intron variant.
Genome position (GRCh38, 1-based): chr5:74,718,976, G>A. VCF-style: chr5-74718976-G-A. GRCh37 (hg19) VCF-style: chr5-74014801-G-A.
Other names: c.742+5G>A (NM_001292004.2).
Identifiers: ClinVar variation 557105 (VCV000557105.43), dbSNP rs763517499, ClinGen allele CA501159.

ClinVar aggregate classification (germline): Pathogenic/Likely pathogenic. Review status: criteria provided, multiple submitters, no conflicts (2 of 4 stars). 4 submissions from 4 submitters: Pathogenic (1); Likely pathogenic (2). 1 of the submissions does not count toward it. Last evaluated 2025-08-04.

Conditions:
Sandhoff disease. Also called: HEXOSAMINIDASES A AND B DEFICIENCY; Beta-hexosaminidase-beta-subunit deficiency; GM2 gangliosidosis, type 2; Total hexosaminidase deficiency; Sandhoff-Jatzkewitz-Pilz disease; GM2-GANGLIOSIDOSIS, TYPE II. Identifiers: Orphanet 796, MedGen C0036161, MONDO:0010006, OMIM 268800.

Allele frequency attached by ClinVar (database versions not stated): TOPMed below 0.00001; gnomAD exomes 0.00001 and 0.00002; ExAC 0.00002.
gnomAD v4.1: 10 of 1,613,990 alleles (0.00062%); highest among the groups gnomAD compares: South Asian, 0.0055%; no homozygotes.

Submissions (4):

Natera, Inc.
Classification: Pathogenic for Sandhoff disease. Last evaluated: 2025-08-04. Review status: criteria provided, single submitter. Criteria: Natera Variant Classification Schema (03/2026). Collection method: clinical testing. Allele origin: germline.
Comment: The c.1417+5G>A variant in HEXB is an intronic variant located outside the canonical splice sites. This variant is rare in the general population with a frequency below the threshold expected for the associated phenotype(s). This variant has been observed in one or more individuals affected with the associated recessive disease, as either homozygous or compound heterozygous with a second variant (PMID: 17015493, 33673364, 36407556, 30712135, 36194207, 38730490). Additionally, this variant has been observed to segregate in affected family members (PMID: 19595619). Computational prediction algorithms indicate this variant is likely to affect gene or protein function. Given the available evidence, this variant is classified as Pathogenic.

Foundation for Research in Genetics and Endocrinology, FRIGE's Institute of Human Genetics
Classification: Likely pathogenic for Sandhoff disease. Last evaluated: 2023-12-08. Review status: criteria provided, single submitter. Criteria: ACMG Guidelines, 2015. Collection method: clinical testing. Allele origin: germline. Inheritance: Autosomal recessive inheritance. Affected: yes. Observed: 1 compound heterozygote.
Comment: A heterozygous 5’ splice site variant in intron 11 of the HEXB gene was detected. The observed variant has not been reported in the 1000 genomes and has a minor allele frequency of 0.0016% in the gnomAD database. The in-silico prediction of the variant is disease causing by MutationTaster2 and SpliceAI. The reference base is conserved across mammals. In summary, the variant meets our criteria to be classified as likely pathogenic.

CeGaT Center for Human Genetics Tuebingen
Classification: Likely pathogenic. Last evaluated: 2021-01-01. Review status: criteria provided, single submitter. Criteria: CeGaT Center For Human Genetics Tuebingen Variant Classification Criteria Version 2. Collection method: clinical testing. Allele origin: germline. Affected: yes. Observed: 2 variant alleles.

Counsyl
Classification: Uncertain significance for Sandhoff disease. Last evaluated: 2018-03-08. Review status: no assertion criteria provided. Collection method: clinical testing. Allele origin: unknown. Not counted in ClinVar's aggregate classification.

Literature cited by the submitters: PubMed 17015493 (cited by Natera, Inc.); PubMed 33673364 (cited by Natera, Inc.); PubMed 36407556 (cited by Natera, Inc.); PubMed 30712135 (cited by Natera, Inc.); PubMed 36194207 (cited by Natera, Inc.); PubMed 38730490 (cited by Natera, Inc.); PubMed 19595619 (cited by Natera, Inc.); PubMed 17237499 (cited by Counsyl); PubMed 20926324 (cited by Counsyl).